The following is an entry in ClinVar:

NM_001003694.2(BRPF1):c.2770C>T (p.Gln924Ter)

Gene: BRPF1 (bromodomain and PHD finger containing 1; plus strand). Cytogenetic location: 3p25.3.
Variant type: single nucleotide variant.
Coding change: c.2770C>T on transcript NM_001003694.2 (MANE Select); coding-DNA position 2770, C replaced by T.
Protein change: p.Gln924Ter; replaces glutamine 924 with a stop codon.
Molecular consequence: nonsense. On other transcripts: non-coding transcript variant (1), intron variant (1).
Genome position (GRCh38, 1-based): chr3:9,744,358, C>T. VCF-style: chr3-9744358-C-T. GRCh37 (hg19) VCF-style: chr3-9786042-C-T.
Other names: c.2749C>T, p.Gln917Ter (NM_001319050.2); c.2767C>T, p.Gln923Ter (NM_001410704.1); c.2752C>T, p.Gln918Ter (NM_004634.3); c.2617+457C>T (NM_001319049.2); short protein forms Q924*, Q917*, Q923*, Q918*.
Identifiers: ClinVar variation 3482528 (VCV003482528.1).

ClinVar aggregate classification (germline): Pathogenic (1 of 4 stars; one submission).

Conditions:
Inborn genetic diseases. Identifiers: MedGen C0950123, MeSH D030342.

Submission:

Ambry Genetics
Classification: Pathogenic for Inborn genetic diseases. Last evaluated: 2024-11-29. Review status: criteria provided, single submitter. Criteria: Ambry Variant Classification Scheme 2023. Collection method: clinical testing. Allele origin: germline.
Comment: The c.2770C>T (p.Q924*) alteration, located in exon 9 (coding exon 8) of the BRPF1 gene, consists of a C to T substitution at nucleotide position 2770. This changes the amino acid from a glutamine (Q) to a stop codon at amino acid position 924. This alteration is expected to result in loss of function by premature protein truncation or nonsense-mediated mRNA decay. This variant was not reported in population-based cohorts in the Genome Aggregation Database (gnomAD). Based on the available evidence, this alteration is classified as pathogenic.